The following is an entry in ClinVar:

NM_001098816.3(TENM4):c.678C>T (p.Ala226=)

Gene: TENM4 (teneurin transmembrane protein 4; minus strand). Cytogenetic location: 11q14.1.
Variant type: single nucleotide variant.
Coding change: c.678C>T on transcript NM_001098816.3 (MANE Select); coding-DNA position 678, C replaced by T.
Protein change: p.Ala226=; no amino-acid change (alanine 226 retained).
Molecular consequence: synonymous variant.
Genome position (GRCh38, 1-based): chr11:78,903,339, G>A on the plus strand (C>T on the coding strand, the complement: TENM4 is on the minus strand). VCF-style: chr11-78903339-G-A. GRCh37 (hg19) VCF-style: chr11-78614384-G-A.
Identifiers: ClinVar variation 2642234 (VCV002642234.24), dbSNP rs775855283, ClinGen allele CA6207647.

ClinVar aggregate classification (germline): Likely benign (1 of 4 stars; one submission).

Allele frequency attached by ClinVar (database versions not stated): gnomAD 0.00021; gnomAD exomes 0.00025; TOPMed 0.00026; ExAC 0.00067.
gnomAD v4.1: 377 of 1,478,872 alleles (0.025%); highest among the groups gnomAD compares: Non-Finnish European, 0.03%; no homozygotes.

Submission:

CeGaT Center for Human Genetics Tuebingen
Classification: Likely benign. Last evaluated: 2022-06-01. Review status: criteria provided, single submitter. Criteria: CeGaT Center For Human Genetics Tuebingen Variant Classification Criteria Version 2. Collection method: clinical testing. Allele origin: germline. Affected: yes. Observed: 1 variant allele.
Comment: TENM4: BP4, BP7